The following is an entry in ClinVar:

ClinVar aggregate classification (germline): Uncertain significance (1 of 4 stars; one submission).

Conditions:
Atrial fibrillation, familial, 7 (ATFB7). Identifiers: MedGen C2677106, MONDO:0012828, OMIM 612240.

Submission:

Labcorp Genetics (formerly Invitae), Labcorp
Classification: Uncertain significance for Atrial fibrillation, familial, 7. Last evaluated: 2022-11-03. Review status: criteria provided, single submitter. Criteria: Invitae Variant Classification Sherloc (09022015). Collection method: clinical testing. Allele origin: germline.
Comment: In summary, the available evidence is currently insufficient to determine the role of this variant in disease. Therefore, it has been classified as a Variant of Uncertain Significance. Advanced modeling of protein sequence and biophysical properties (such as structural, functional, and spatial information, amino acid conservation, physicochemical variation, residue mobility, and thermodynamic stability) performed at Invitae indicates that this missense variant is not expected to disrupt KCNA5 protein function. This variant has not been reported in the literature in individuals affected with KCNA5-related conditions. This variant is not present in population databases (gnomAD no frequency). This sequence change replaces glutamic acid, which is acidic and polar, with lysine, which is basic and polar, at codon 211 of the KCNA5 protein (p.Glu211Lys).

NM_002234.4(KCNA5):c.631G>A (p.Glu211Lys)

Gene: KCNA5 (potassium voltage-gated channel subfamily A member 5; plus strand). Cytogenetic location: 12p13.32.
Variant type: single nucleotide variant.
Coding change: c.631G>A on transcript NM_002234.4 (MANE Select); coding-DNA position 631, G replaced by A.
Protein change: p.Glu211Lys; replaces glutamic acid 211 with lysine.
Molecular consequence: missense variant.
Genome position (GRCh38, 1-based): chr12:5,044,778, G>A. VCF-style: chr12-5044778-G-A. GRCh37 (hg19) VCF-style: chr12-5153944-G-A.
Other names: short protein forms E211K.
Identifiers: ClinVar variation 2811680 (VCV002811680.3), dbSNP rs1862753153, ClinGen allele CA383464827.
Genomic context (GRCh38, chr12:5,044,778, plus strand): 5'-GTCTCCCTGGACGTGTTCGCGGACGAGATACGCTTCTACCAGCTGGGGGACGAGGCCATG[G>A]AGCGCTTCCGCGAGGATGAGGGCTTCATTAAAGAAGAGGAGAAGCCCCTGCCCCGCAACG-3'
Protein context (NP_002225.2, residues 201-221): RFYQLGDEAM[Glu211Lys]RFREDEGFIK